The following is an entry in ClinVar:

ClinVar aggregate classification (germline): Uncertain significance (1 of 4 stars; one submission).

Conditions:
Marfan syndrome (MFS). Also called: FBN1-Related Marfan Syndrome; MARFAN SYNDROME, TYPE I; Marfan syndrome type 1; Marfan's syndrome; Marfan syndrome, classic. Identifiers: Orphanet 284963, Orphanet 558, MedGen C0024796, MONDO:0007947, OMIM 154700.
Familial thoracic aortic aneurysm and aortic dissection (TAAD). Also called: Thoracic aortic aneurysms and dissections. Identifiers: Orphanet 91387, MedGen C4707243, MONDO:0019625.

Submission:

Labcorp Genetics (formerly Invitae), Labcorp
Classification: Uncertain significance for Marfan syndrome; Familial thoracic aortic aneurysm and aortic dissection. Last evaluated: 2020-07-21. Review status: criteria provided, single submitter. Criteria: Invitae Variant Classification Sherloc (09022015). Collection method: clinical testing. Allele origin: germline.
Comment: This sequence change replaces asparagine with isoleucine at codon 1000 of the FBN1 protein (p.Asn1000Ile). The asparagine residue is moderately conserved and there is a large physicochemical difference between asparagine and isoleucine. This variant is not present in population databases (ExAC no frequency). This variant has not been reported in the literature in individuals with FBN1-related conditions. Algorithms developed to predict the effect of missense changes on protein structure and function are either unavailable or do not agree on the potential impact of this missense change (SIFT: "Deleterious"; PolyPhen-2: "Benign"; Align-GVGD: "Class C0"). In summary, the available evidence is currently insufficient to determine the role of this variant in disease. Therefore, it has been classified as a Variant of Uncertain Significance.

NM_000138.5(FBN1):c.2999A>T (p.Asn1000Ile)

Gene: FBN1 (fibrillin 1; minus strand). Cytogenetic location: 15q21.1.
Variant type: single nucleotide variant.
Coding change: c.2999A>T on transcript NM_000138.5 (MANE Select); coding-DNA position 2999, A replaced by T.
Protein change: p.Asn1000Ile; replaces asparagine 1000 with isoleucine.
Molecular consequence: missense variant.
Genome position (GRCh38, 1-based): chr15:48,489,934, T>A on the plus strand (A>T on the coding strand, the complement: FBN1 is on the minus strand). VCF-style: chr15-48489934-T-A. GRCh37 (hg19) VCF-style: chr15-48782131-T-A.
Other names: short protein forms N1000I.
Identifiers: ClinVar variation 1038536 (VCV001038536.8), dbSNP rs2043543012, ClinGen allele CA392329116.